The following is an entry in ClinVar:

NM_001244008.2(KIF1A):c.4171_4173del (p.Val1391del)

Gene: KIF1A (kinesin family member 1A; minus strand). Cytogenetic location: 2q37.3.
Variant type: Deletion.
Coding change: c.4171_4173del on transcript NM_001244008.2 (MANE Select); coding-DNA positions 4171 to 4173, 3 bases deleted (GTC; older notation c.4171_4173delGTC).
Protein change: p.Val1391del; deletes valine 1391.
Molecular consequence: inframe indel (on NM_001379654.1).
Genome position (GRCh38, 1-based): chr2:240,725,354-240,725,356, GAC deleted on the plus strand (GTC on the coding strand, the reverse complement: KIF1A is on the minus strand). VCF-style (leftmost placement, unchanged base first): chr2-240725353-AGAC-A. GRCh37 (hg19) VCF-style: chr2-241664770-AGAC-A.
Other names: c.3895_3897del, p.Val1299del (NM_001320705.2, NM_001379649.1); c.3922_3924del, p.Val1308del (NM_001330289.2); c.3970_3972del, p.Val1324del (NM_001330290.2, NM_001379648.1); c.4246_4248del, p.Val1416del (NM_001379631.1); c.4147_4149del, p.Val1383del (NM_001379632.1); c.4144_4146del, p.Val1382del (NM_001379633.1, NM_001379645.1); c.3997_3999del, p.Val1333del (NM_001379634.1); c.3994_3996del, p.Val1332del (NM_001379635.1, NM_001379646.1); and 8 more; short protein forms V1289del, V1290del, V1298del, V1299del, V1307del, V1308del, V1315del, V1324del.
Identifiers: ClinVar variation 3033173 (VCV003033173.2), dbSNP rs2536776014, ClinGen allele CA2740096550.

ClinVar aggregate classification (germline): Uncertain significance (0 of 4 stars; one submission).

Conditions:
KIF1A-related disorder. Also called: KIF1A-related disorders; KIF1A-related condition.

Submission:

PreventionGenetics, part of Exact Sciences
Classification: Uncertain significance for KIF1A-related condition. Last evaluated: 2024-02-08. Review status: no assertion criteria provided. Collection method: clinical testing. Allele origin: germline.
Comment: The KIF1A c.4171_4173delGTC variant is predicted to result in an in-frame deletion (p.Val1391del). To our knowledge, this variant has not been reported in the literature or in a large population database, indicating this variant is rare. At this time, the clinical significance of this variant is uncertain due to the absence of conclusive functional and genetic evidence.